The following is an entry in ClinVar:

ClinVar aggregate classification (germline): Uncertain significance (1 of 4 stars; one submission).

Submission:

Labcorp Genetics (formerly Invitae), Labcorp
Classification: Uncertain significance. Last evaluated: 2025-11-11. Review status: criteria provided, single submitter. Criteria: Invitae Variant Classification Sherloc (09022015). Collection method: clinical testing. Allele origin: germline.
Comment: This sequence change replaces aspartic acid, which is acidic and polar, with glycine, which is neutral and non-polar, at codon 726 of the ANK1 protein (p.Asp726Gly). This variant is not present in population databases (gnomAD no frequency). This variant has not been reported in the literature in individuals affected with ANK1-related conditions. Invitae Evidence Modeling of protein sequence and biophysical properties (such as structural, functional, and spatial information, amino acid conservation, physicochemical variation, residue mobility, and thermodynamic stability) indicates that this missense variant is not expected to disrupt ANK1 protein function with a negative predictive value of 80%. In summary, the available evidence is currently insufficient to determine the role of this variant in disease. Therefore, it has been classified as a Variant of Uncertain Significance.

NM_000037.4(ANK1):c.2177A>G (p.Asp726Gly)

Gene: ANK1 (ankyrin 1; minus strand). Cytogenetic location: 8p11.21.
Variant type: single nucleotide variant.
Coding change: c.2177A>G on transcript NM_000037.4 (MANE Select); coding-DNA position 2177, A replaced by G.
Protein change: p.Asp726Gly; replaces aspartic acid 726 with glycine.
Molecular consequence: missense variant.
Genome position (GRCh38, 1-based): chr8:41,704,393, T>C on the plus strand (A>G on the coding strand, the complement: ANK1 is on the minus strand). VCF-style: chr8-41704393-T-C. GRCh37 (hg19) VCF-style: chr8-41561911-T-C.
Other names: c.2276A>G, p.Asp759Gly (NM_001142446.2); c.2177A>G, p.Asp726Gly (NM_020475.3, NM_020476.3, NM_020477.3); short protein forms D759G, D726G.
Identifiers: ClinVar variation 4739822 (VCV004739822.1).
Genomic context (GRCh38, chr8:41,704,393, plus strand): 5'-GAAGGGTCAGTGCAGGAGTCGGGGCTGGGGCACCCCTGTACCTTGGTCTTGGCATTGACA[T>C]CTGCCTGGTGCTGCAGCAGAAACTTCACCAGCTTGATGTTTCCATAGTGACTGGCCACAT-3'
Protein context (NP_000028.3, residues 716-736): LVKFLLQHQA[Asp726Gly]VNAKTKLGYS